The following is an entry in ClinVar:

ClinVar aggregate classification (germline): Uncertain significance (1 of 4 stars; one submission).

Allele frequency attached by ClinVar (database versions not stated): gnomAD exomes below 0.00001; gnomAD 0.00001; TOPMed below 0.00001.
gnomAD v4.1: 3 of 1,611,862 alleles (0.00019%); highest among the groups gnomAD compares: Admixed American, 0.0017%; no homozygotes.

Submission:

Labcorp Genetics (formerly Invitae), Labcorp
Classification: Uncertain significance. Last evaluated: 2025-06-02. Review status: criteria provided, single submitter. Criteria: Invitae Variant Classification Sherloc (09022015). Collection method: clinical testing. Allele origin: germline.
Comment: This sequence change replaces proline, which is neutral and non-polar, with leucine, which is neutral and non-polar, at codon 94 of the ATP4A protein (p.Pro94Leu). This variant is not present in population databases (gnomAD no frequency). This variant has not been reported in the literature in individuals affected with ATP4A-related conditions. ClinVar contains an entry for this variant (Variation ID: 2877649). Invitae Evidence Modeling of protein sequence and biophysical properties (such as structural, functional, and spatial information, amino acid conservation, physicochemical variation, residue mobility, and thermodynamic stability) indicates that this missense variant is not expected to disrupt ATP4A protein function with a negative predictive value of 80%. In summary, the available evidence is currently insufficient to determine the role of this variant in disease. Therefore, it has been classified as a Variant of Uncertain Significance.

NM_000704.3(ATP4A):c.281C>T (p.Pro94Leu)

Gene: ATP4A (ATPase H+/K+ transporting subunit alpha; minus strand). Cytogenetic location: 19q13.12.
Variant type: single nucleotide variant.
Coding change: c.281C>T on transcript NM_000704.3 (MANE Select); coding-DNA position 281, C replaced by T.
Protein change: p.Pro94Leu; replaces proline 94 with leucine.
Molecular consequence: missense variant.
Genome position (GRCh38, 1-based): chr19:35,562,574, G>A on the plus strand (C>T on the coding strand, the complement: ATP4A is on the minus strand). VCF-style: chr19-35562574-G-A. GRCh37 (hg19) VCF-style: chr19-36053476-G-A.
Other names: short protein forms P94L.
Identifiers: ClinVar variation 2877649 (VCV002877649.3), dbSNP rs2071677617, ClinGen allele CA405394238.